The following is an entry in ClinVar:

ClinVar aggregate classification (germline): Uncertain significance. Review status: criteria provided, single submitter (1 of 4 stars). 2 submissions from 2 submitters: Uncertain significance (1). 1 of the submissions does not count toward it. Last evaluated 2022-02-01.

Conditions:
Familial hypobetalipoproteinemia 1. Also called: Hypobetalipoproteinemia, normotriglyceridemic; Acanthocytosis with hypobetalipoproteinemia; APOB-Related Familial Hypobetalipoproteinemia. Identifiers: MedGen C4551990, MONDO:0014252, OMIM 615558.
Hypercholesterolemia, autosomal dominant, type B (FHCL2). Also called: Familial Hypercholesterolemia Type B; HYPERCHOLESTEROLEMIA, FAMILIAL, DUE TO LIGAND-DEFECTIVE APOLIPOPROTEIN B; Familial hypercholesterolemia 2; APOB-Related Familial Hypercholesterolemia, Autosomal Dominant; APOLIPOPROTEIN B-100, FAMILIAL DEFECTIVE; APOLIPOPROTEIN B-100, FAMILIAL LIGAND-DEFECTIVE. Identifiers: MedGen C1704417, MONDO:0007751, OMIM 144010.

Allele frequency attached by ClinVar (database versions not stated): ExAC 0.00001; gnomAD exomes 0.00001.

Submissions (2):

Labcorp Genetics (formerly Invitae), Labcorp
Classification: Uncertain significance for Familial hypobetalipoproteinemia 1; Hypercholesterolemia, autosomal dominant, type B. Last evaluated: 2022-02-01. Review status: criteria provided, single submitter. Criteria: Invitae Variant Classification Sherloc (09022015). Collection method: clinical testing. Allele origin: germline.
Comment: ClinVar contains an entry for this variant (Variation ID: 925568). Algorithms developed to predict the effect of missense changes on protein structure and function are either unavailable or do not agree on the potential impact of this missense change (SIFT: "Deleterious"; PolyPhen-2: "Probably Damaging"; Align-GVGD: "Class C0"). In summary, the available evidence is currently insufficient to determine the role of this variant in disease. Therefore, it has been classified as a Variant of Uncertain Significance. This variant has not been reported in the literature in individuals affected with APOB-related conditions. This variant is present in population databases (rs767150815, gnomAD 0.002%). This sequence change replaces valine, which is neutral and non-polar, with alanine, which is neutral and non-polar, at codon 1350 of the APOB protein (p.Val1350Ala).

Department of Pathology and Laboratory Medicine, Sinai Health System
Classification: Uncertain significance. Review status: no assertion criteria provided. Collection method: clinical testing. Allele origin: unknown. Affected: yes. Study: The Canadian Open Genetics Repository (COGR). Not counted in ClinVar's aggregate classification.
Comment: The APOB p.Val1350Ala variant was not identified in the literature nor was it identified in ClinVar, Cosmic or LOVD 3.0. The variant was identified in dbSNP (ID: rs767150815) and was also found in control databases in 2 of 251454 chromosomes at a frequency of 0.000008 (Genome Aggregation Database Feb 27, 2017) and was observed in the following population: European (non-Finnish) in 2 of 113734 chromosomes (freq: 0.000018), while the variant was not observed in the African, Latino, Ashkenazi Jewish, East Asian, European (Finnish), Other and South Asian populations. The variant occurs outside of the splicing consensus sequence and 2 of 4 in silico or computational prediction software programs (SpliceSiteFinder and NNSPLICE) predict a greater than 10% difference in splicing. SpliceSiteFinder-like predicts the loss of a 5' splice site at c.4043 and NNSplice predicts the strengthening of a 3' splice site at c.4070. The p.Val1350 residue is not conserved in mammals and computational analyses (PolyPhen-2, SIFT, AlignGVGD, BLOSUM, MutationTaster) provide inconsistent predictions regarding the impact to the protein; this information is not very predictive of pathogenicity. In summary, based on the above information the clinical significance of this variant cannot be determined with certainty at this time. This variant is classified as a variant of uncertain significance.

NM_000384.3(APOB):c.4049T>C (p.Val1350Ala)

Gene: APOB (apolipoprotein B; minus strand). Cytogenetic location: 2p24.1.
Variant type: single nucleotide variant.
Coding change: c.4049T>C on transcript NM_000384.3 (MANE Select); coding-DNA position 4049, T replaced by C.
Protein change: p.Val1350Ala; replaces valine 1350 with alanine.
Molecular consequence: missense variant.
Genome position (GRCh38, 1-based): chr2:21,013,327, A>G on the plus strand (T>C on the coding strand, the complement: APOB is on the minus strand). VCF-style: chr2-21013327-A-G. GRCh37 (hg19) VCF-style: chr2-21236199-A-G.
Other names: short protein forms V1350A.
Identifiers: ClinVar variation 925568 (VCV000925568.9), dbSNP rs767150815, ClinGen allele CA060412.